The following is an entry in ClinVar:

NM_000548.5(TSC2):c.3284+6T>G

Gene: TSC2 (TSC complex subunit 2; plus strand). Cytogenetic location: 16p13.3.
Variant type: single nucleotide variant.
Coding change: c.3284+6T>G on transcript NM_000548.5 (MANE Select); 6 bases into the intron after coding-DNA position 3284, T replaced by G.
Molecular consequence: intron variant.
Genome position (GRCh38, 1-based): chr16:2,079,434, T>G. VCF-style: chr16-2079434-T-G. GRCh37 (hg19) VCF-style: chr16-2129435-T-G.
Other names: c.3284+6T>G (NM_001114382.3); c.3155+6T>G (NM_021055.3, NM_001370405.1, NM_001363528.2); c.3152+6T>G (NM_001370404.1, NM_001077183.3); c.3044+6T>G (NM_001318827.2); c.2552+6T>G (NM_001318831.2); c.3008+6T>G (NM_001318829.2); c.3185+6T>G (NM_001318832.2).
Identifiers: ClinVar variation 406126 (VCV000406126.17), dbSNP rs375837026, ClinGen allele CA045321.

ClinVar aggregate classification (germline): Conflicting classifications of pathogenicity. Review status: criteria provided, conflicting classifications (1 of 4 stars). 5 submissions from 5 submitters: Uncertain significance (4); Likely benign (1). Last evaluated 2025-06-24.

Conditions:
Tuberous sclerosis syndrome (TSC). Also called: Tuberous Sclerosis Complex; Tuberous sclerosis. Identifiers: Orphanet 805, MedGen C0041341, MONDO:0001734.
Tuberous sclerosis 2 (TSC2). Identifiers: Orphanet 805, MedGen C1860707, MONDO:0013199, OMIM 613254.
Lymphangiomyomatosis (LAM). Also called: Lymphangioleiomyomatosis; Lymphangioleiomyomatosis, somatic. Identifiers: Orphanet 538, MedGen C0751674, MONDO:0011705, OMIM 606690.

Allele frequency attached by ClinVar (database versions not stated): gnomAD 0.00001; gnomAD exomes 0.00001; TOPMed 0.00001; ExAC 0.00002; ESP Exome Variant Server 0.00008.
gnomAD v4.1: 5 of 1,612,436 alleles (0.00031%); highest among the groups gnomAD compares: Non-Finnish European, 0.00034%; no homozygotes.

Submissions (6):

Labcorp Genetics (formerly Invitae), Labcorp
Classification: Likely benign for Tuberous sclerosis 2. Last evaluated: 2025-06-24. Review status: criteria provided, single submitter. Criteria: Invitae Variant Classification Sherloc (09022015). Collection method: clinical testing. Allele origin: germline.

All of Us Research Program, National Institutes of Health
Classification: Uncertain significance for Tuberous sclerosis syndrome. Last evaluated: 2023-12-01. Review status: criteria provided, single submitter. Criteria: ACMG Guidelines, 2015. Collection method: clinical testing. Allele origin: germline. Inheritance: Autosomal dominant inheritance. Observed: 2 variant alleles, 2 heterozygotes.
Comment: This variant causes a T to G nucleotide substitution at the +6 position of intron 28 of the TSC2 gene. Splice site prediction tools are inconclusive regarding the impact of this variant on RNA splicing. To our knowledge, RNA studies have not been reported for this variant. This variant has not been reported in individuals affected with TSC2-related disorders in the literature. This variant has been identified in 2/248866 chromosomes in the general population by the Genome Aggregation Database (gnomAD). The available evidence is insufficient to determine the role of this variant in disease conclusively. Therefore, this variant is classified as a Variant of Uncertain Significance.

This study involves interpretation of variants in research participants for the purpose of population health screening. Participant phenotype was not available at the time of variant classification. Additional details can be found in publication PMID: 35346344, PMCID: PMC8962531

Color Diagnostics, LLC DBA Color Health
Classification: Uncertain significance for Tuberous sclerosis syndrome. Last evaluated: 2023-08-09. Review status: criteria provided, single submitter. Criteria: ACMG Guidelines, 2015. Collection method: clinical testing. Allele origin: germline.
Comment: This variant causes a T to G nucleotide substitution at the +6 position of intron 28 of the TSC2 gene. Splice site prediction tools are inconclusive regarding the impact of this variant on RNA splicing. To our knowledge, RNA studies have not been reported for this variant. This variant has not been reported in individuals affected with TSC2-related disorders in the literature. This variant has been identified in 2/248866 chromosomes in the general population by the Genome Aggregation Database (gnomAD). The available evidence is insufficient to determine the role of this variant in disease conclusively. Therefore, this variant is classified as a Variant of Uncertain Significance.

Genome-Nilou Lab
Classification: Uncertain significance for Tuberous sclerosis 2. Last evaluated: 2021-11-07. Review status: criteria provided, single submitter. Criteria: ACMG Guidelines, 2015. Collection method: clinical testing. Allele origin: germline. Affected: no.

Centre for Mendelian Genomics, University Medical Centre Ljubljana
Classification: Uncertain significance for Lymphangiomyomatosis. Last evaluated: 2019-02-13. Review status: criteria provided, single submitter. Criteria: ACMG Guidelines, 2015. Collection method: clinical testing. Allele origin: unknown. Affected: yes.
Comment: This variant was classified as: Uncertain significance. The available evidence on this variant's pathogenicity is insufficient or conflicting. The following ACMG criteria were applied in classifying this variant: BP4.

Dr. Peter K. Rogan Lab, Western University
No classification provided (evidence only). Condition: Gastric cancer. Review status: no classification provided. Collection method: in vitro. Allele origin: not applicable. Functional consequence: retained intron. Not counted in ClinVar's aggregate classification.